The following is an entry in ClinVar:

NM_001277313.2(FMN1):c.197C>T (p.Pro66Leu)

Gene: FMN1 (formin 1; minus strand). Cytogenetic location: 15q13.3.
Variant type: single nucleotide variant.
Coding change: c.197C>T on transcript NM_001277313.2 (MANE Select); coding-DNA position 197, C replaced by T.
Protein change: p.Pro66Leu; replaces proline 66 with leucine.
Molecular consequence: missense variant.
Genome position (GRCh38, 1-based): chr15:33,154,718, G>A on the plus strand (C>T on the coding strand, the complement: FMN1 is on the minus strand). VCF-style: chr15-33154718-G-A. GRCh37 (hg19) VCF-style: chr15-33446919-G-A.
Other names: c.197C>T, p.Pro66Leu (NM_001277314.2); short protein forms P66L.
Identifiers: ClinVar variation 3051620 (VCV003051620.2), dbSNP rs149938731, ClinGen allele CA7457612.

ClinVar aggregate classification (germline): Likely benign (0 of 4 stars; one submission).

Conditions:
FMN1-related disorder. Also called: FMN1-related condition.

Allele frequency attached by ClinVar (database versions not stated): gnomAD exomes 0.00009; TOPMed 0.00020; ExAC 0.00021; gnomAD 0.00023; 1000 Genomes Project 30x 0.00234; 1000 Genomes Project 0.00260.
gnomAD v4.1: 157 of 1,536,048 alleles (0.01%); highest among the groups gnomAD compares: East Asian, 0.3%; 2 homozygotes.

Submission:

PreventionGenetics, part of Exact Sciences
Classification: Likely benign for FMN1-related condition. Last evaluated: 2021-06-30. Review status: no assertion criteria provided. Collection method: clinical testing. Allele origin: germline.
Comment: This variant is classified as likely benign based on ACMG/AMP sequence variant interpretation guidelines (Richards et al. 2015 PMID: 25741868, with internal and published modifications).